The following is an entry in ClinVar:

ClinVar aggregate classification (germline): Conflicting classifications of pathogenicity. Review status: criteria provided, conflicting classifications (1 of 4 stars). 4 submissions from 4 submitters: Uncertain significance (2); Benign (1). 1 of the submissions does not count toward it. Last evaluated 2026-08-01.

Conditions:
FAT2-related disorder. Also called: FAT2-related condition.

Allele frequency attached by ClinVar (database versions not stated): TOPMed 0.00062; gnomAD 0.00070; 1000 Genomes Project 30x 0.00078; 1000 Genomes Project 0.00080; ESP Exome Variant Server 0.00085; ExAC 0.00089; gnomAD exomes 0.00138.
gnomAD v4.1: 2,098 of 1,614,132 alleles (0.13%); highest among the groups gnomAD compares: Non-Finnish European, 0.17%; 2 homozygotes.

Submissions (4):

CeGaT Center for Human Genetics Tuebingen
Classification: Benign. Last evaluated: 2026-08-01. Review status: criteria provided, single submitter. Criteria: CeGaT Center For Human Genetics Tuebingen Variant Classification Criteria Version 2. Collection method: clinical testing. Allele origin: germline. Affected: yes. Observed: 5 variant alleles.
Comment: FAT2: PP2, BP4, BS1, BS2

Labcorp Genetics (formerly Invitae), Labcorp
Classification: Uncertain significance. Last evaluated: 2026-01-19. Review status: criteria provided, single submitter. Criteria: Invitae Variant Classification Sherloc (09022015). Collection method: clinical testing. Allele origin: germline.
Comment: This sequence change replaces alanine, which is neutral and non-polar, with valine, which is neutral and non-polar, at codon 3383 of the FAT2 protein (p.Ala3383Val). This variant is present in population databases (rs150088361, gnomAD 0.1%), and has an allele count higher than expected for a pathogenic variant. This variant has not been reported in the literature in individuals affected with FAT2-related conditions. ClinVar contains an entry for this variant (Variation ID: 2064288). Invitae Evidence Modeling of protein sequence and biophysical properties (such as structural, functional, and spatial information, amino acid conservation, physicochemical variation, residue mobility, and thermodynamic stability) indicates that this missense variant is not expected to disrupt FAT2 protein function with a negative predictive value of 80%. In summary, the available evidence is currently insufficient to determine the role of this variant in disease. Therefore, it has been classified as a Variant of Uncertain Significance.

Ambry Genetics
Classification: Uncertain significance. Last evaluated: 2025-08-04. Review status: criteria provided, single submitter. Criteria: Ambry Variant Classification Scheme 2023. Collection method: clinical testing. Allele origin: germline.

PreventionGenetics, part of Exact Sciences
Classification: Likely benign for FAT2-related condition. Last evaluated: 2022-06-23. Review status: no assertion criteria provided. Collection method: clinical testing. Allele origin: germline. Not counted in ClinVar's aggregate classification.
Comment: This variant is classified as likely benign based on ACMG/AMP sequence variant interpretation guidelines (Richards et al. 2015 PMID: 25741868, with internal and published modifications).

NM_001447.3(FAT2):c.10148C>T (p.Ala3383Val)

Genes: FAT2 (FAT atypical cadherin 2; minus strand), SLC36A1 (solute carrier family 36 member 1; plus strand). Cytogenetic location: 5q33.1.
Variant type: single nucleotide variant.
Coding change: c.10148C>T on transcript NM_001447.3 (MANE Select); coding-DNA position 10148, C replaced by T.
Protein change: p.Ala3383Val; replaces alanine 3383 with valine.
Molecular consequence: missense variant.
Genome position (GRCh38, 1-based): chr5:151,528,012, G>A on the plus strand (C>T on the coding strand, the complement: FAT2 is on the minus strand). VCF-style: chr5-151528012-G-A. GRCh37 (hg19) VCF-style: chr5-150907573-G-A.
Other names: short protein forms A3383V.
Identifiers: ClinVar variation 2064288 (VCV002064288.31), dbSNP rs150088361, ClinGen allele CA3520362.
Genomic context (GRCh38, chr5:151,528,012, plus strand): 5'-TCTGCTCTAATGAGCTCAGGGTGCGCCCCTCCCACATGACTCACCTGTTCCCGGTCCAGG[G>A]CCTTGGCCACCTGTAGCTCCCCCTTTTTGGGGTGAATGGTGAAGTGCCCAAGCTGGTTCC-3'
Protein context (NP_001438.1, residues 3373-3393): PKKGELQVAK[Ala3383Val]LDREQASSYS